The following is an entry in ClinVar:

NM_000051.4(ATM):c.2186del (p.Tyr729fs)

Gene: ATM (ATM serine/threonine kinase; plus strand). Cytogenetic location: 11q22.3.
Variant type: Deletion.
Coding change: c.2186del on transcript NM_000051.4 (MANE Select); coding-DNA position 2186, one base deleted (A; older notation c.2186delA).
Protein change: p.Tyr729fs; shifts the reading frame from tyrosine 729.
Molecular consequence: frameshift variant.
Genome position (GRCh38, 1-based): chr11:108,256,276, A deleted. VCF-style (leftmost placement, unchanged base first): chr11-108256275-TA-T. GRCh37 (hg19) VCF-style: chr11-108127002-TA-T.
Other names: c.2186del, p.Tyr729fs (NM_001351834.2); short protein forms Y729fs.
Identifiers: ClinVar variation 3656081 (VCV003656081.2).
Genomic context (GRCh38, chr11:108,256,275, plus strand): 5'-ATTACAAATTCAGAAACTCTTGTCCGGTGTTCACGTCTTTTGGTGGGTGTCCTTGGCTGC[TA>T]CTGTTACATGGGTGTAATAGCTGAAGAGGAAGCATATAAGTCAGAATTATTCCAGAAAGC-3'

ClinVar aggregate classification (germline): Pathogenic (1 of 4 stars; one submission).

Conditions:
Ataxia-telangiectasia syndrome (AT). Also called: LOUIS-BAR SYNDROME; Cerebello-oculocutaneous telangiectasia; Immunodeficiency with ataxia telangiectasia; ATAXIA-TELANGIECTASIA, COMPLEMENTATION GROUP A; ATAXIA-TELANGIECTASIA, FRESNO VARIANT; Ataxia-telangiectasia, complementation group D. Identifiers: Orphanet 100, MedGen C0004135, MONDO:0008840, OMIM 208900.

Submission:

Labcorp Genetics (formerly Invitae), Labcorp
Classification: Pathogenic for Ataxia-telangiectasia syndrome. Last evaluated: 2024-06-10. Review status: criteria provided, single submitter. Criteria: Invitae Variant Classification Sherloc (09022015). Collection method: clinical testing. Allele origin: germline.
Comment: This sequence change creates a premature translational stop signal (p.Tyr729Serfs*6) in the ATM gene. It is expected to result in an absent or disrupted protein product. Loss-of-function variants in ATM are known to be pathogenic (PMID: 23807571, 25614872). This variant is not present in population databases (gnomAD no frequency). This variant has not been reported in the literature in individuals affected with ATM-related conditions. For these reasons, this variant has been classified as Pathogenic.

Literature cited by the submitters: PubMed 23807571; PubMed 25614872.